The following is an entry in ClinVar:

ClinVar aggregate classification (germline): Likely benign (1 of 4 stars; one submission).

Submission:

CeGaT Center for Human Genetics Tuebingen
Classification: Likely benign. Last evaluated: 2023-07-01. Review status: criteria provided, single submitter. Criteria: CeGaT Center For Human Genetics Tuebingen Variant Classification Criteria Version 2. Collection method: clinical testing. Allele origin: germline. Affected: yes. Observed: 1 variant allele.
Comment: CACNA1B: PM2:Supporting, BP4, BP7

NM_000718.4(CACNA1B):c.102C>A (p.Pro34=)

Genes: CACNA1B (calcium voltage-gated channel subunit alpha1 B; plus strand), CACNA1B-AS2 (CACNA1B antisense RNA 2; minus strand). Cytogenetic location: 9q34.3.
Variant type: single nucleotide variant.
Coding change: c.102C>A on transcript NM_000718.4 (MANE Select); coding-DNA position 102, C replaced by A.
Protein change: p.Pro34=; no amino-acid change (proline 34 retained).
Molecular consequence: synonymous variant.
Genome position (GRCh38, 1-based): chr9:137,878,035, C>A. VCF-style: chr9-137878035-C-A. GRCh37 (hg19) VCF-style: chr9-140772487-C-A.
Other names: c.102C>A, p.Pro34= (NM_001243812.2).
Identifiers: ClinVar variation 2579084 (VCV002579084.25), dbSNP rs1349947388, ClinGen allele CA468161242.
Genomic context (GRCh38, chr9:137,878,035, plus strand): 5'-CCCCGGCGGCGGAGAGCGGGCCCGGGGCGGCGGGGCCGGCGGGGCGGGGGGCCCGGGTCC[C>A]GGGGGGCTGCAGCCCGGCCAGCGGGTCCTCTACAAGCAATCGATCGCGCAGCGCGCGCGG-3'
Protein context (NP_000709.1, residues 24-44): GGAGGAGGPG[Pro34=]GGLQPGQRVL